The following is an entry in ClinVar:

ClinVar aggregate classification (germline): Uncertain significance (1 of 4 stars; one submission).

Conditions:
Familial cancer of breast. Also called: BREAST CANCER, FAMILIAL; Hereditary breast cancer; hereditary breast carcinoma. Identifiers: Orphanet 227535, MedGen C0346153, MONDO:0016419, OMIM 114480. Disease mechanism: loss of function.

Submission:

Labcorp Genetics (formerly Invitae), Labcorp
Classification: Uncertain significance for Familial cancer of breast. Last evaluated: 2020-09-09. Review status: criteria provided, single submitter. Criteria: Invitae Variant Classification Sherloc (09022015). Collection method: clinical testing. Allele origin: germline.
Comment: This variant is not present in population databases (ExAC no frequency). In summary, the available evidence is currently insufficient to determine the role of this variant in disease. Therefore, it has been classified as a Variant of Uncertain Significance. Algorithms developed to predict the effect of missense changes on protein structure and function are either unavailable or do not agree on the potential impact of this missense change (SIFT: "Deleterious"; PolyPhen-2: "Benign"; Align-GVGD: "Class C0"). This variant has not been reported in the literature in individuals with BARD1-related conditions. This sequence change replaces aspartic acid with valine at codon 727 of the BARD1 protein (p.Asp727Val). The aspartic acid residue is moderately conserved and there is a large physicochemical difference between aspartic acid and valine.

NM_000465.4(BARD1):c.2180A>T (p.Asp727Val)

Gene: BARD1 (BRCA1 associated RING domain 1; minus strand). Cytogenetic location: 2q35.
Variant type: single nucleotide variant.
Coding change: c.2180A>T on transcript NM_000465.4 (MANE Select); coding-DNA position 2180, A replaced by T.
Protein change: p.Asp727Val; replaces aspartic acid 727 with valine.
Molecular consequence: missense variant. On other transcripts: non-coding transcript variant (3).
Genome position (GRCh38, 1-based): chr2:214,728,830, T>A on the plus strand (A>T on the coding strand, the complement: BARD1 is on the minus strand). VCF-style: chr2-214728830-T-A. GRCh37 (hg19) VCF-style: chr2-215593554-T-A.
Other names: c.2123A>T, p.Asp708Val (NM_001282543.2); c.827A>T, p.Asp276Val (NM_001282545.2); c.770A>T, p.Asp257Val (NM_001282548.2); c.641A>T, p.Asp214Val (NM_001282549.2); short protein forms D214V, D257V, D276V, D708V, D727V.
Identifiers: ClinVar variation 1008824 (VCV001008824.9), dbSNP rs753074107, ClinGen allele CA350450351.
Genomic context (GRCh38, chr2:214,728,830, plus strand): 5'-GGGTGATAATTACACAAATCTTCATAGATGATATACTGTGTGCAGAAGCGCTGATCAGAA[T>A]CGGGTCTCGCATGGTATGCGACTGTATTGATGGTCTGAGTCACGTCACTGTCTGGCTTGG-3'
Protein context (NP_000456.2, residues 717-737): INTVAYHARP[Asp727Val]SDQRFCTQYI